The following is an entry in ClinVar:

ClinVar aggregate classification (germline): Uncertain significance (1 of 4 stars; one submission).

Submission:

Clinical Genomics Laboratory, Stanford Medicine
Classification: Uncertain significance. Last evaluated: 2023-01-24. Review status: criteria provided, single submitter. Criteria: ACMG Guidelines, 2015. Collection method: clinical testing. Allele origin: germline. Observed: 1 variant allele, 1 heterozygote.
Comment: The p.Arg86Cys variant in the TRIM63 gene has been previously reported in an individual with hypertrophic cardiomyopathy (Su et al., 2014). This variant has been identified in 2/30,456 South Asian chromosomes (5/250,080 chromosomes overall) by the Genome Aggregation Database. The arginine at position 86 is evolutionarily conserved. Computational tools predict that the p.Arg86Cys variant is neither deleterious nor benign; however, the accuracy of in silico algorithms is limited. These data were assessed using the ACMG/AMP variant interpretation guidelines. In summary, the significance of the p.Arg86Cys variant is uncertain. Additional information is needed to resolve the significance of this variant. [ACMG evidence codes used: PM2]

Literature cited by the submitters: PubMed 24865491.

NM_032588.4(TRIM63):c.256C>T (p.Arg86Cys)

Gene: TRIM63 (tripartite motif containing 63; minus strand). Cytogenetic location: 1p36.11.
Variant type: single nucleotide variant.
Coding change: c.256C>T on transcript NM_032588.4 (MANE Select); coding-DNA position 256, C replaced by T.
Protein change: p.Arg86Cys; replaces arginine 86 with cysteine.
Molecular consequence: missense variant.
Genome position (GRCh38, 1-based): chr1:26,066,344, G>A on the plus strand (C>T on the coding strand, the complement: TRIM63 is on the minus strand). VCF-style: chr1-26066344-G-A. GRCh37 (hg19) VCF-style: chr1-26392835-G-A.
Other names: short protein forms R86C.
Identifiers: ClinVar variation 3893684 (VCV003893684.1).